The following is an entry in ClinVar:

NM_018122.5(DARS2):c.228-15C>A

Gene: DARS2 (aspartyl-tRNA synthetase 2, mitochondrial; plus strand). Cytogenetic location: 1q25.1.
Variant type: single nucleotide variant.
Coding change: c.228-15C>A on transcript NM_018122.5 (MANE Select); 15 bases into the intron before coding-DNA position 228, C replaced by A.
Molecular consequence: intron variant.
Genome position (GRCh38, 1-based): chr1:173,828,318, C>A. VCF-style: chr1-173828318-C-A. GRCh37 (hg19) VCF-style: chr1-173797456-C-A.
Other names: c.228-15C>A (NM_001365212.1, NM_001365213.2).
Identifiers: ClinVar variation 1199571 (VCV001199571.7), dbSNP rs200392167, ClinGen allele CA1250062.

ClinVar aggregate classification (germline): Pathogenic/Likely pathogenic. Review status: criteria provided, multiple submitters, no conflicts (2 of 4 stars). 3 submissions from 3 submitters: Pathogenic (1); Likely pathogenic (2). Last evaluated 2025-01-16.

Conditions:
Leukoencephalopathy with brain stem and spinal cord involvement-high lactate syndrome (LBSL). Also called: LEUKOENCEPHALOPATHY WITH BRAINSTEM AND SPINAL CORD INVOLVEMENT AND LACTATE ELEVATION, MILD; Leukoencephalopathy with Brainstem and Spinal Cord Involvement and Lactate Elevation; MITOCHONDRIAL ASPARTYL-tRNA SYNTHETASE DEFICIENCY. Identifiers: Orphanet 137898, MedGen C1970180, MONDO:0012622, OMIM 611105.
DARS2-related disorder. Also called: DARS2-related condition.

gnomAD v4.1: 26 of 1,316,228 alleles (0.002%); highest among the groups gnomAD compares: Admixed American, 0.0036%; no homozygotes.

Submissions (3):

Broad Center for Mendelian Genomics, Broad Institute of MIT and Harvard
Classification: Likely pathogenic for Leukoencephalopathy with brain stem and spinal cord involvement-high lactate syndrome. Last evaluated: 2025-01-16. Review status: criteria provided, single submitter. Criteria: ACMG Guidelines, 2015. Collection method: curation. Allele origin: germline. Inheritance: Autosomal recessive inheritance.
Comment: The c.228-15C>A variant in DARS2 has been reported in 4 individuals with leukoencephalopathy with brain stem and spinal cord involvement-high lactate syndrome (PMID: 17384640, 30635318, 33977142), and has been identified in 0.004% (2/55922) of Latino/Admixed American chromosomes by the Genome Aggregation Database (gnomAD; dbSNP rs200392167). Although this variant has been seen in the general population in a heterozygous state, its frequency is low enough to be consistent with a recessive carrier frequency. This variant has also been reported in ClinVar (Variation ID: 1199571) and has been interpreted as pathogenic by GeneDx. Of the 4 affected individuals, 1 was a compound heterozygote that carried a likely pathogenic variant in trans, which increases the likelihood that the c.228-15C>A variant is pathogenic (ClinVar ID: 1062; PMID: 33977142). cDNA analysis performed shows that the c.228-15C>A variant is predicted to lead to exon 3 skipping, and is predicted to result in nonsense mediated decay (NMD) and lead to a truncated or absent protein (PMID: 17384640). However these types of assays may not accurately represent biological function. Variants that occur in this intron 2 splice region are known to be leaky, which may explain some variability in phenotype (PMID: 24566671). This region of DARS2 is an established mutational hotspot and most individuals with LBSL have variants in this region (PMID: 24566671). In summary, although additional studies are required to fully establish its clinical significance, this variant is likely pathogenic for autosomal recessive leukoencephalopathy with brain stem and spinal cord involvement-high lactate syndrome. ACMG/AMP Criteria applied: PVS1_strong, PM1_supporting, PM2_supporting, PM3 (Richards 2015).

GeneDx
Classification: Pathogenic. Last evaluated: 2022-05-26. Review status: criteria provided, single submitter. Criteria: GeneDx Variant Classification Process June 2021. Collection method: clinical testing. Allele origin: germline. Affected: yes.
Comment: Non-canonical splice site variant demonstrated to result in loss-of-function (Scheper et al., 2007); Not observed at a significant frequency in large population cohorts (gnomAD); This variant is associated with the following publications: (PMID: 30635318, 23065766, 17384640, 33977142)

Blueprint Genetics
Classification: Likely pathogenic for DARS2-related disorders. Last evaluated: 2022-01-18. Review status: criteria provided, single submitter. Criteria: ACMG Guidelines, 2015. Collection method: clinical testing. Allele origin: germline. Affected: yes. Observed: 3 variant alleles.